The following is an entry in ClinVar:

ClinVar aggregate classification (germline): Conflicting classifications of pathogenicity. Review status: criteria provided, conflicting classifications (1 of 4 stars). 7 submissions from 6 submitters: Uncertain significance (4); Benign (2); Likely benign (1). Last evaluated 2026-01-13.

Conditions:
VCAN-related disorder. Also called: VCAN-related condition.
Vitreoretinopathy. Also called: Vitreoretinal degeneration. Identifiers: MedGen C0344290, MONDO:0020248, HP:0007773.
Inborn genetic diseases. Identifiers: MedGen C0950123, MeSH D030342.
Wagner disease. Also called: WAGNER VITREORETINAL DEGENERATION; WAGNER SYNDROME 1; Wagner syndrome; Wagner Vitreoretinal Degeneration (Wagner Synrdome); HYALOIDEORETINAL DEGENERATION OF WAGNER; WAGNER VITREORETINOPATHY. Identifiers: Orphanet 898, MedGen C1840452, MONDO:0007740, OMIM 143200.

Allele frequency attached by ClinVar (database versions not stated): ExAC 0.00009; gnomAD exomes 0.00009 and 0.00012; gnomAD 0.00013 and 0.00014; TOPMed 0.00014.
gnomAD v4.1: 200 of 1,614,010 alleles (0.012%); highest among the groups gnomAD compares: Middle Eastern, 0.016%; no homozygotes.

Submissions (7):

Labcorp Genetics (formerly Invitae), Labcorp
Classification: Uncertain significance. Last evaluated: 2026-01-13. Review status: criteria provided, single submitter. Criteria: Invitae Variant Classification Sherloc (09022015). Collection method: clinical testing. Allele origin: germline.
Comment: This sequence change replaces proline, which is neutral and non-polar, with serine, which is neutral and polar, at codon 53 of the VCAN protein (p.Pro53Ser). This variant is present in population databases (rs201466502, gnomAD 0.02%). This missense change has been observed in individuals with clinical features of retinitis pigmentosa (internal data). It has also been observed to segregate with disease in related individuals. ClinVar contains an entry for this variant (Variation ID: 843872). An algorithm developed to predict the effect of missense changes on protein structure and function outputs the following: PolyPhen-2: "Benign". The serine amino acid residue is found in multiple mammalian species, which suggests that this missense change does not adversely affect protein function. In summary, the available evidence is currently insufficient to determine the role of this variant in disease. Therefore, it has been classified as a Variant of Uncertain Significance.

PreventionGenetics, part of Exact Sciences
Classification: Uncertain significance for VCAN-related condition. Last evaluated: 2025-04-27. Review status: criteria provided, single submitter. Criteria: ACMG Guidelines, 2015. Collection method: clinical testing. Allele origin: germline.
Comment: The VCAN c.157C>T variant is predicted to result in the amino acid substitution p.Pro53Ser. To our knowledge, this variant has not been reported in the literature. This variant is reported in 0.020% of alleles in individuals of European (Non-Finnish) descent in gnomAD. This variant could be benign. At this time, the clinical significance of this variant is uncertain due to the absence of conclusive functional and genetic evidence.

Blueprint Genetics
Classification: Likely benign. Last evaluated: 2024-10-18. Review status: criteria provided, single submitter. Criteria: ACMG Guidelines, 2015. Collection method: clinical testing. Allele origin: germline.

Ambry Genetics
Classification: Uncertain significance for Inborn genetic diseases. Last evaluated: 2024-06-26. Review status: criteria provided, single submitter. Criteria: Ambry Variant Classification Scheme 2023. Collection method: clinical testing. Allele origin: germline.

CeGaT Center for Human Genetics Tuebingen
Classification: Uncertain significance. Last evaluated: 2022-11-01. Review status: criteria provided, single submitter. Criteria: CeGaT Center For Human Genetics Tuebingen Variant Classification Criteria Version 2. Collection method: clinical testing. Allele origin: germline. Affected: yes. Observed: 1 variant allele.
Comment: VCAN: PM2, BP4

Illumina Laboratory Services, Illumina
Classification: Benign for Vitreoretinopathy. Last evaluated: 2018-01-12. Review status: criteria provided, single submitter. Criteria: ICSL Variant Classification Criteria 13 December 2019. Collection method: clinical testing. Allele origin: germline.
Comment: This variant was observed in the ICSL laboratory as part of a predisposition screen in an ostensibly healthy population. It had not been previously curated by ICSL or reported in the Human Gene Mutation Database (HGMD: prior to June 1st, 2018), and was therefore a candidate for classification through an automated scoring system. Utilizing variant allele frequency, disease prevalence and penetrance estimates, and inheritance mode, an automated score was calculated to assess if this variant is too frequent to cause the disease. Based on the score and internal cut-off values, a variant classified as benign is not then subjected to further curation. The score for this variant resulted in a classification of benign for this disease.

Illumina Laboratory Services, Illumina
Classification: Benign for Wagner disease. Last evaluated: 2018-01-12. Review status: criteria provided, single submitter. Criteria: ICSL Variant Classification Criteria 13 December 2019. Collection method: clinical testing. Allele origin: germline.
Comment: the same text as in the submission from Illumina Laboratory Services, Illumina above.

NM_004385.5(VCAN):c.157C>T (p.Pro53Ser)

Gene: VCAN (versican; plus strand). Cytogenetic location: 5q14.2.
Variant type: single nucleotide variant.
Coding change: c.157C>T on transcript NM_004385.5 (MANE Select); coding-DNA position 157, C replaced by T.
Protein change: p.Pro53Ser; replaces proline 53 with serine.
Molecular consequence: missense variant.
Genome position (GRCh38, 1-based): chr5:83,490,184, C>T. VCF-style: chr5-83490184-C-T. GRCh37 (hg19) VCF-style: chr5-82786003-C-T.
Other names: c.157C>T, p.Pro53Ser (NM_001126336.3, NM_001164097.2, NM_001164098.2); short protein forms P53S.
Identifiers: ClinVar variation 843872 (VCV000843872.39), dbSNP rs201466502, ClinGen allele CA3332406.